The following is an entry in ClinVar:

NM_005475.3(SH2B3):c.356_357delinsTT (p.Arg119Leu)

Gene: SH2B3 (SH2B adaptor protein 3; plus strand). Cytogenetic location: 12q24.12.
Variant type: Indel.
Coding change: c.356_357delinsTT on transcript NM_005475.3 (MANE Select); coding-DNA positions 356 to 357, GC replaced by TT.
Protein change: p.Arg119Leu; replaces arginine 119 with leucine.
Molecular consequence: missense variant.
Genome position (GRCh38, 1-based): chr12:111,418,501-111,418,502, GC replaced by TT. VCF-style: chr12-111418501-GC-TT. GRCh37 (hg19) VCF-style: chr12-111856305-GC-TT.
Other names: c.356_357delGCinsTT, p.Arg119Leu (NM_005475.2); short protein forms R119L.
Identifiers: ClinVar variation 4055965 (VCV004055965.1).

ClinVar aggregate classification (germline): Uncertain significance (1 of 4 stars; one submission).

Submission:

GeneDx
Classification: Uncertain significance. Last evaluated: 2025-01-02. Review status: criteria provided, single submitter. Criteria: GeneDx Variant Classification Process June 2021. Collection method: clinical testing. Allele origin: germline. Affected: yes.
Comment: Not observed at significant frequency in large population cohorts (gnomAD); In silico analysis indicates that this variant does not alter protein structure/function; Has not been previously published as pathogenic or benign to our knowledge